The following is an entry in ClinVar:

NM_001103.4(ACTN2):c.2180T>G (p.Leu727Arg)

Gene: ACTN2 (actinin alpha 2; plus strand). Cytogenetic location: 1q43.
Variant type: single nucleotide variant.
Coding change: c.2180T>G on transcript NM_001103.4 (MANE Select); coding-DNA position 2180, T replaced by G.
Protein change: p.Leu727Arg; replaces leucine 727 with arginine.
Molecular consequence: missense variant.
Genome position (GRCh38, 1-based): chr1:236,757,511, T>G. VCF-style: chr1-236757511-T-G. GRCh37 (hg19) VCF-style: chr1-236920811-T-G.
Other names: c.2180T>G, p.Leu727Arg (NM_001278343.2); c.1556T>G, p.Leu519Arg (NM_001278344.2); short protein forms L727R, L519R.
Identifiers: ClinVar variation 694345 (VCV000694345.6), dbSNP rs1572148902, ClinGen allele CA345388702.
Genomic context (GRCh38, chr1:236,757,511, plus strand): 5'-ACTTAGAACTGATCTTTCCCCTTTTCCCTCAATAGCACATTCGTGTTGGATGGGAGCTGC[T>G]GCTGACAACCATCGCCAGAACCATCAATGAGGTGGAGACTCAGATCCTGACGAGAGATGC-3'
Protein context (NP_001094.1, residues 717-737): MEHIRVGWEL[Leu727Arg]LTTIARTINE

ClinVar aggregate classification (germline): Pathogenic/Likely pathogenic. Review status: criteria provided, multiple submitters, no conflicts (2 of 4 stars). 3 submissions from 3 submitters: Pathogenic (1); Likely pathogenic (1). 1 of the submissions does not count toward it. Last evaluated 2024-03-01.

Conditions:
Myopathy, congenital, with structured cores and z-line abnormalities. Also called: MULTIPLE STRUCTURED CORE DISEASE; CONGENITAL MYOPATHY 8. Identifiers: MedGen C5231445, MONDO:0032852, OMIM 618654.

Submissions (3):

Muscle and Diseases Team, Institut de Génétique et Biologie Moléculaire et Cellulaire
Classification: Pathogenic for Myopathy, congenital, with structured cores and z-line abnormalities. Last evaluated: 2024-03-01. Review status: criteria provided, single submitter. Criteria: ACMG Guidelines, 2015. Collection method: research. Allele origin: de novo. Affected: yes. Observed: 1 variant allele.
Comment: PS2+PS3+PM1+PM2+PP3

SIB Swiss Institute of Bioinformatics
Classification: Likely pathogenic for Myopathy, congenital, with structured cores and z-line abnormalities. Last evaluated: 2020-06-25. Review status: criteria provided, single submitter. Criteria: ACMG Guidelines, 2015. Collection method: curation. Allele origin: unknown.
Comment: This variant is interpreted as likely pathogenic for Myopathy, congenital, with structured cores and Z-line abnormalities, autosomal dominant. The following ACMG Tag(s) were applied: Absent from controls (or at extremely low frequency if recessive) in Exome Sequencing Project, 1000 Genomes Project, or Exome Aggregation Consortium (PM2); Multiple lines of computational evidence support a deleterious effect on the gene or gene product (PP3); Assumed de novo, but no confirmation of paternity and maternity (PM6); Well-established functional studies show a deleterious effect (PS3 downgraded to moderate).

OMIM
Classification: Pathogenic for CONGENITAL MYOPATHY 8. Last evaluated: 2024-07-16. Review status: no assertion criteria provided. Collection method: literature only. Allele origin: germline. Not counted in ClinVar's aggregate classification.

Literature cited by the submitters: DOI 10.1186/s13073-024-01353-0 (cited by Muscle and Diseases Team, Institut de Génétique et Biologie Moléculaire et Cellulaire); PubMed 30701273 (cited by 3 submitters).